The following is an entry in ClinVar:

ClinVar aggregate classification (germline): Pathogenic/Likely pathogenic. Review status: criteria provided, multiple submitters, no conflicts (2 of 4 stars). 2 submissions from 2 submitters: Pathogenic (1); Likely pathogenic (1). Last evaluated 2024-06-06.

Conditions:
Citrin deficiency. Identifiers: Orphanet 247582, MedGen C1997910, MONDO:0016602.
Citrullinemia, type II, adult-onset (CDAA). Also called: CITRIN DEFICIENCY, ADOLESCENT OR ADULT ONSET. Identifiers: Orphanet 247585, MedGen CN295299, MONDO:0011326, OMIM 603471.
Neonatal intrahepatic cholestasis due to citrin deficiency (CDNI). Also called: Neonatal-onset citrullinemia type II; Neonatal-onset citrullinemia type 2; CITRIN DEFICIENCY, NEONATAL OR INFANTILE ONSET; Neonatal Intrahepatic Cholestasis Caused by Citrin Deficiency (NICCD). Identifiers: Orphanet 247598, MedGen C1853942, MONDO:0011601, OMIM 605814.

Submissions (2):

Fulgent Genetics
Classification: Likely pathogenic for Citrullinemia, type II, adult-onset; Neonatal intrahepatic cholestasis due to citrin deficiency. Last evaluated: 2024-06-06. Review status: criteria provided, single submitter. Criteria: ACMG Guidelines, 2015. Collection method: clinical testing. Allele origin: germline.

Labcorp Genetics (formerly Invitae), Labcorp
Classification: Pathogenic for Citrin deficiency. Last evaluated: 2020-05-23. Review status: criteria provided, single submitter. Criteria: Invitae Variant Classification Sherloc (09022015). Collection method: clinical testing. Allele origin: germline.
Comment: This variant is not present in population databases (ExAC no frequency). This variant has not been reported in the literature in individuals with SLC25A13-related conditions. Loss-of-function variants in SLC25A13 are known to be pathogenic (PMID: 10369257, 14680984, 27405544). For these reasons, this variant has been classified as Pathogenic. This sequence change creates a premature translational stop signal (p.Phe92Leufs*3) in the SLC25A13 gene. It is expected to result in an absent or disrupted protein product.

Literature cited by the submitters: PubMed 10369257 (cited by Labcorp Genetics (formerly Invitae), Labcorp); PubMed 14680984 (cited by Labcorp Genetics (formerly Invitae), Labcorp); PubMed 27405544 (cited by Labcorp Genetics (formerly Invitae), Labcorp).

NM_014251.3(SLC25A13):c.276del (p.Phe92fs)

Gene: SLC25A13 (solute carrier family 25 member 13; minus strand). Cytogenetic location: 7q21.3.
Variant type: Deletion.
Coding change: c.276del on transcript NM_014251.3 (MANE Select); coding-DNA position 276, one base deleted (T; older notation c.276delT).
Protein change: p.Phe92fs; shifts the reading frame from phenylalanine 92.
Molecular consequence: frameshift variant.
Genome position (GRCh38, 1-based): chr7:96,234,854, A deleted on the plus strand (T on the coding strand, the reverse complement: SLC25A13 is on the minus strand); the first of 3 consecutive A bases (chr7:96,234,854-96,234,856); deleting any one gives the same sequence. VCF-style (leftmost placement, unchanged base first): chr7-96234853-TA-T. GRCh37 (hg19) VCF-style: chr7-95864165-TA-T.
Other names: c.276del, p.Phe92fs (NM_001160210.2); short protein forms F92fs.
Identifiers: ClinVar variation 1074032 (VCV001074032.8), dbSNP rs2116815571, ClinGen allele CA2499219077.